The following is an entry in ClinVar:

ClinVar aggregate classification (germline): Pathogenic (1 of 4 stars; one submission).

Submission:

Labcorp Genetics (formerly Invitae), Labcorp
Classification: Pathogenic. Last evaluated: 2023-01-03. Review status: criteria provided, single submitter. Criteria: Invitae Variant Classification Sherloc (09022015). Collection method: clinical testing. Allele origin: germline.
Comment: For these reasons, this variant has been classified as Pathogenic. This variant has not been reported in the literature in individuals affected with DEAF1-related conditions. This variant is a gross deletion of the genomic region encompassing exon(s) 7-9 of the DEAF1 gene. This deletion is out-of-frame, and is expected to create a premature termination codon and result in an absent or disrupted protein product. Loss-of-function variants in DEAF1 are known to be pathogenic (PMID: 30923367).

Literature cited by the submitters: PubMed 30923367.

NC_000011.9:g.(?_678674)_(681109_?)del

Gene: DEAF1 (DEAF1 transcription factor; minus strand). Cytogenetic location: 11p15.5.
Variant type: Deletion.
Identifiers: ClinVar variation 2426649 (VCV002426649.4).